The following is an entry in ClinVar:

NM_014423.4(AFF4):c.374C>T (p.Ser125Leu)

Gene: AFF4 (ALF transcription elongation factor 4; minus strand). Cytogenetic location: 5q31.1.
Variant type: single nucleotide variant.
Coding change: c.374C>T on transcript NM_014423.4 (MANE Select); coding-DNA position 374, C replaced by T.
Protein change: p.Ser125Leu; replaces serine 125 with leucine.
Molecular consequence: missense variant.
Genome position (GRCh38, 1-based): chr5:132,934,691, G>A on the plus strand (C>T on the coding strand, the complement: AFF4 is on the minus strand). VCF-style: chr5-132934691-G-A. GRCh37 (hg19) VCF-style: chr5-132270383-G-A.
Other names: short protein forms S125L.
Identifiers: ClinVar variation 4762971 (VCV004762971.1).

ClinVar aggregate classification (germline): Uncertain significance (1 of 4 stars; one submission).

Conditions:
Cognitive impairment - coarse facies - heart defects - obesity - pulmonary involvement - short stature - skeletal dysplasia syndrome. Also called: COGNITIVE IMPAIRMENT, COARSE FACIES, HEART DEFECTS, OBESITY, PULMONARY INVOLVEMENT, SHORT STATURE, AND SKELETAL DYSPLASIA; Chops syndrome; AFF4-Related CHOPS Syndrome. Identifiers: Orphanet 444077, MedGen C4085597, MONDO:0014609, OMIM 616368.

Submission:

Labcorp Genetics (formerly Invitae), Labcorp
Classification: Uncertain significance for Cognitive impairment - coarse facies - heart defects - obesity - pulmonary involvement - short stature - skeletal dysplasia syndrome. Last evaluated: 2025-08-10. Review status: criteria provided, single submitter. Criteria: Invitae Variant Classification Sherloc (09022015). Collection method: clinical testing. Allele origin: germline.
Comment: This sequence change replaces serine, which is neutral and polar, with leucine, which is neutral and non-polar, at codon 125 of the AFF4 protein (p.Ser125Leu). This variant is present in population databases (rs772778353, gnomAD 0.006%). This variant has not been reported in the literature in individuals affected with AFF4-related conditions. Invitae Evidence Modeling of protein sequence and biophysical properties (such as structural, functional, and spatial information, amino acid conservation, physicochemical variation, residue mobility, and thermodynamic stability) indicates that this missense variant is not expected to disrupt AFF4 protein function with a negative predictive value of 80%. In summary, the available evidence is currently insufficient to determine the role of this variant in disease. Therefore, it has been classified as a Variant of Uncertain Significance.